The following is an entry in ClinVar:

ClinVar aggregate classification (germline): Pathogenic (1 of 4 stars; one submission).

Conditions:
Chédiak-Higashi syndrome (CHS). Also called: Chediak-Higashi Syndrome. Identifiers: Orphanet 167, MedGen C0007965, MONDO:0008963, OMIM 214500.

Submission:

Labcorp Genetics (formerly Invitae), Labcorp
Classification: Pathogenic for Chédiak-Higashi syndrome. Last evaluated: 2023-07-16. Review status: criteria provided, single submitter. Criteria: Invitae Variant Classification Sherloc (09022015). Collection method: clinical testing. Allele origin: germline.
Comment: For these reasons, this variant has been classified as Pathogenic. This variant has not been reported in the literature in individuals affected with LYST-related conditions. This variant is not present in population databases (gnomAD no frequency). This sequence change creates a premature translational stop signal (p.Thr2891Serfs*16) in the LYST gene. It is expected to result in an absent or disrupted protein product. Loss-of-function variants in LYST are known to be pathogenic (PMID: 9215679, 11857544).

Literature cited by the submitters: PubMed 9215679; PubMed 11857544.

NM_000081.4(LYST):c.8668_8669dup (p.Thr2891fs)

Gene: LYST (lysosomal trafficking regulator; minus strand). Cytogenetic location: 1q42.3.
Variant type: Microsatellite.
Coding change: c.8668_8669dup on transcript NM_000081.4 (MANE Select); coding-DNA positions 8668 to 8669, 2 bases duplicated (AT; older notation c.8668_8669dupAT).
Protein change: p.Thr2891fs; shifts the reading frame from threonine 2891.
Molecular consequence: frameshift variant.
Genome position (GRCh38, 1-based): chr1:235,733,635-235,733,636, AT duplicated on the plus strand (AT on the coding strand, the reverse complement: LYST is on the minus strand); duplicating any 2 consecutive bases within chr1:235,733,635-235,733,638 gives the same sequence; the c. name uses the placement nearest the transcript's 3' end. VCF-style (leftmost placement, unchanged base first): chr1-235733634-G-GAT. GRCh37 (hg19) VCF-style: chr1-235896934-G-GAT.
Other names: c.8668_8669dup, p.Thr2891fs (NM_001301365.1); short protein forms T2891fs.
Identifiers: ClinVar variation 2743986 (VCV002743986.3), dbSNP rs2527550732, ClinGen allele CA2697555024.